The following is an entry in ClinVar:

NM_017654.4(SAMD9):c.4271T>G (p.Leu1424Arg)

Gene: SAMD9 (sterile alpha motif domain containing 9; minus strand). Cytogenetic location: 7q21.2.
Variant type: single nucleotide variant.
Coding change: c.4271T>G on transcript NM_017654.4 (MANE Select); coding-DNA position 4271, T replaced by G.
Protein change: p.Leu1424Arg; replaces leucine 1424 with arginine.
Molecular consequence: missense variant.
Genome position (GRCh38, 1-based): chr7:93,101,827, A>C on the plus strand (T>G on the coding strand, the complement: SAMD9 is on the minus strand). VCF-style: chr7-93101827-A-C. GRCh37 (hg19) VCF-style: chr7-92731140-A-C.
Other names: c.4271T>G, p.Leu1424Arg (NM_001193307.2); c.4271T>G (NM_017654.3); short protein forms L1424R.
Identifiers: ClinVar variation 2981506 (VCV002981506.4), dbSNP rs760347799, ClinGen allele CA4342576.

ClinVar aggregate classification (germline): Uncertain significance. Review status: criteria provided, multiple submitters, no conflicts (2 of 4 stars). 2 submissions from 2 submitters: Uncertain significance (2). Last evaluated 2025-07-09.

Conditions:
Inborn genetic diseases. Identifiers: MedGen C0950123, MeSH D030342.

Allele frequency attached by ClinVar (database versions not stated): ExAC 0.00003.
gnomAD v4.1: 4 of 1,613,898 alleles (0.00025%); highest among the groups gnomAD compares: Admixed American, 0.0067%; no homozygotes.

Submissions (2):

Ambry Genetics
Classification: Uncertain significance for Inborn genetic diseases. Last evaluated: 2025-07-09. Review status: criteria provided, single submitter. Criteria: Ambry Variant Classification Scheme 2023. Collection method: clinical testing. Allele origin: germline.
Comment: The p.L1424R variant (also known as c.4271T>G), located in coding exon 1 of the SAMD9 gene, results from a T to G substitution at nucleotide position 4271. The leucine at codon 1424 is replaced by arginine, an amino acid with dissimilar properties. This amino acid position is conserved. In addition, this alteration is predicted to be tolerated by in silico analysis. Based on the available evidence, the clinical significance of this variant remains unclear.

Labcorp Genetics (formerly Invitae), Labcorp
Classification: Uncertain significance. Last evaluated: 2023-03-23. Review status: criteria provided, single submitter. Criteria: Invitae Variant Classification Sherloc (09022015). Collection method: clinical testing. Allele origin: germline.
Comment: Advanced modeling of protein sequence and biophysical properties (such as structural, functional, and spatial information, amino acid conservation, physicochemical variation, residue mobility, and thermodynamic stability) performed at Invitae indicates that this missense variant is not expected to disrupt SAMD9 protein function. In summary, the available evidence is currently insufficient to determine the role of this variant in disease. Therefore, it has been classified as a Variant of Uncertain Significance. This variant has not been reported in the literature in individuals affected with SAMD9-related conditions. This sequence change replaces leucine, which is neutral and non-polar, with arginine, which is basic and polar, at codon 1424 of the SAMD9 protein (p.Leu1424Arg). This variant is present in population databases (rs760347799, gnomAD 0.01%).